The following is an entry in ClinVar:

NM_007194.4(CHEK2):c.1160C>T (p.Thr387Ile)

Gene: CHEK2 (checkpoint kinase 2; minus strand). Cytogenetic location: 22q12.1.
Variant type: single nucleotide variant.
Coding change: c.1160C>T on transcript NM_007194.4 (MANE Select); coding-DNA position 1160, C replaced by T.
Protein change: p.Thr387Ile; replaces threonine 387 with isoleucine.
Molecular consequence: missense variant.
Genome position (GRCh38, 1-based): chr22:28,695,809, G>A on the plus strand (C>T on the coding strand, the complement: CHEK2 is on the minus strand). VCF-style: chr22-28695809-G-A. GRCh37 (hg19) VCF-style: chr22-29091797-G-A.
Other names: p.T387I:ACC>ATC; c.1073C>T, p.Thr358Ile (NM_145862.3); c.1289C>T, p.Thr430Ile (NM_001005735.3); c.497C>T, p.Thr166Ile (NM_001257387.3); c.959C>T, p.Thr320Ile (NM_001349956.3); short protein forms T387I, T358I, T166I, T320I, T430I.
Identifiers: ClinVar variation 128047 (VCV000128047.25), dbSNP rs587780168, ClinGen allele CA288260.

ClinVar aggregate classification (germline): Uncertain significance. Review status: criteria provided, multiple submitters, no conflicts (2 of 4 stars). 7 submissions from 7 submitters: Uncertain significance (7). Last evaluated 2026-04-02.

Conditions:
CHEK2-related disorder.
Hereditary cancer-predisposing syndrome. Also called: Neoplastic Syndromes, Hereditary; Tumor predisposition; Hereditary Cancer Syndrome; Hereditary neoplastic syndrome. Identifiers: Orphanet 140162, MedGen C0027672, MeSH D009386, MONDO:0015356.
Familial cancer of breast. Also called: hereditary breast carcinoma; Hereditary breast cancer; BREAST CANCER, FAMILIAL. Identifiers: Orphanet 227535, MedGen C0346153, MONDO:0016419, OMIM 114480. Disease mechanism: loss of function.

Allele frequency attached by ClinVar (database versions not stated): TOPMed below 0.00001.

Submissions (7):

Ambry Genetics
Classification: Uncertain significance for Hereditary cancer-predisposing syndrome. Last evaluated: 2026-04-02. Review status: criteria provided, single submitter. Criteria: Ambry Variant Classification Scheme 2023. Collection method: clinical testing. Allele origin: germline.
Comment: The p.T387I variant (also known as c.1160C>T), located in coding exon 10 of the CHEK2 gene, results from a C to T substitution at nucleotide position 1160. The threonine at codon 387 is replaced by isoleucine, an amino acid with similar properties. This alteration has been identified in individuals diagnosed with breast cancer (Dorling et al. N Engl J Med. 2021 02;384:428-439; Paduano F et al. Genes (Basel), 2022 Jul;13:). The Thr-387 residue is an autophosphorylation site located within the activation loop of the Chk2 kinase domain, and has been demonstrated to have a dependency on Chk2 kinase activity for phosphorylation (Wu X et al. Hum. Mutat. 2006 Aug;27(8):742-7; Schwarz JK et al. Mol. Cancer Res. 2003 Jun; 1(8):598-609). This alteration was reported as functionally impaired in a study assessing CHEK2-complementation through quantification of KAP1 phosphorylation and CHK2 autophosphorylation in human RPE1-CHEK2-knockout cells (Stolarova L et al. Clin Cancer Res, 2023 Aug;29:3037-3050). Based on internal structural analysis, this variant sits at the interface between proteins (Ambry internal data). This amino acid position is highly conserved in available vertebrate species. In addition, this alteration is predicted to be deleterious by in silico analysis. Based on the available evidence, the clinical significance of this variant remains unclear.

Labcorp Genetics (formerly Invitae), Labcorp
Classification: Uncertain significance for Familial cancer of breast. Last evaluated: 2025-10-23. Review status: criteria provided, single submitter. Criteria: Invitae Variant Classification Sherloc (09022015). Collection method: clinical testing. Allele origin: germline.
Comment: This sequence change replaces threonine, which is neutral and polar, with isoleucine, which is neutral and non-polar, at codon 387 of the CHEK2 protein (p.Thr387Ile). This variant is present in population databases (rs587780168, gnomAD 0.0009%). This missense change has been observed in individual(s) with breast cancer (PMID: 30613976, 35886069, 37449874). This variant is also known as c.1289C>T (p.Thr430Ile). ClinVar contains an entry for this variant (Variation ID: 128047). An algorithm developed to predict the effect of missense changes on protein structure and function (PolyPhen-2) suggests that this variant is likely to be disruptive. Experimental studies have shown that this missense change affects CHEK2 function (PMID: 37449874). In summary, the available evidence is currently insufficient to determine the role of this variant in disease. Therefore, it has been classified as a Variant of Uncertain Significance.

PreventionGenetics, part of Exact Sciences
Classification: Uncertain significance for CHEK2-related condition. Last evaluated: 2025-05-27. Review status: criteria provided, single submitter. Criteria: ACMG Guidelines, 2015. Collection method: clinical testing. Allele origin: germline.
Comment: The CHEK2 c.1160C>T variant is predicted to result in the amino acid substitution p.Thr387Ile. This variant was reported as a variant of uncertain significance in a large study of hereditary cancer predisposition (Paduano et al. 2022. PubMed ID: 35886069). This variant is located within the autophosphorylation site within the activation loop of the CHEK2 kinase domain (Lee et al. 2001. PubMed ID: 11390408). This variant is reported in 0.00088% of alleles in individuals of European (Non-Finnish) descent in gnomAD and is classified as a variant of uncertain significance in ClinVar. At this time, the clinical significance of this variant is uncertain due to the absence of conclusive functional and genetic evidence.

Baylor Genetics
Classification: Uncertain significance for Familial cancer of breast. Last evaluated: 2024-02-13. Review status: criteria provided, single submitter. Criteria: ACMG Guidelines, 2015. Collection method: clinical testing. Allele origin: unknown.

GeneDx
Classification: Uncertain significance. Last evaluated: 2023-12-12. Review status: criteria provided, single submitter. Criteria: GeneDx Variant Classification Process June 2021. Collection method: clinical testing. Allele origin: germline. Affected: yes.
Comment: In silico analysis supports that this missense variant has a deleterious effect on protein structure/function; Not observed at significant frequency in large population cohorts (gnomAD); Also known as c.1289C>T; This variant is associated with the following publications: (PMID: 12805407, 16941491, 16835864, 11390408, 20713355, 22419737, 19782031, 30613976, 33471991, 35886069)

Women's Health and Genetics/Laboratory Corporation of America, LabCorp
Classification: Uncertain significance. Last evaluated: 2022-10-24. Review status: criteria provided, single submitter. Criteria: LabCorp Variant Classification Summary - May 2015. Collection method: clinical testing. Allele origin: germline.
Comment: Variant summary: CHEK2 c.1160C>T (p.Thr387Ile) results in a non-conservative amino acid change located in the Protein kinase domain (IPR000719) of the encoded protein sequence. Five of five in-silico tools predict a damaging effect of the variant on protein function. The variant allele was found at a frequency of 4e-06 in 251014 control chromosomes. The available data on variant occurrences in the general population are insufficient to allow any conclusion about variant significance. c.1160C>T has been reported in the literature in at least one male individual affected with Breast Cancer. This report does not provide unequivocal conclusions about association of the variant with Hereditary Breast And Ovarian Cancer Syndrome. To our knowledge, no experimental evidence demonstrating an impact on protein function has been reported. Four clinical diagnostic laboratories have submitted clinical-significance assessments for this variant to ClinVar after 2014 without evidence for independent evaluation. All laboratories classified the variant as uncertain significance. Based on the evidence outlined above, the variant was classified as uncertain significance.

Color Diagnostics, LLC DBA Color Health
Classification: Uncertain significance for Hereditary cancer-predisposing syndrome. Last evaluated: 2021-02-26. Review status: criteria provided, single submitter. Criteria: ACMG Guidelines, 2015. Collection method: clinical testing. Allele origin: germline.
Comment: This missense variant replaces threonine with isoleucine at codon 387 of the CHEK2 protein. Computational prediction suggests that this variant may have deleterious impact on protein structure and function (internally defined REVEL score threshold >= 0.7, PMID: 27666373). To our knowledge, functional studies have not been reported for this variant, however the Thr387 residue has been shown to be important for CHEK2 kinase activity (PMID: 11390408, 12805407, 16835864, 20713355). This variant has not been reported in individuals affected with hereditary cancer in the literature. This variant has been identified in 1/251014 chromosomes in the general population by the Genome Aggregation Database (gnomAD). The available evidence is insufficient to determine the role of this variant in disease conclusively. Therefore, this variant is classified as a Variant of Uncertain Significance.

Literature cited by the submitters: PubMed 11390408 (cited by Ambry Genetics); PubMed 12805407 (cited by Ambry Genetics); PubMed 16835864 (cited by Ambry Genetics); PubMed 16941491 (cited by Ambry Genetics); PubMed 20713355 (cited by Ambry Genetics); PubMed 33471991 (cited by Ambry Genetics); PubMed 35886069 (cited by Ambry Genetics and Labcorp Genetics (formerly Invitae), Labcorp); PubMed 37449874 (cited by Ambry Genetics and Labcorp Genetics (formerly Invitae), Labcorp); PubMed 39146382 (cited by Ambry Genetics); PubMed 39642869 (cited by Ambry Genetics); PubMed 30613976 (cited by Labcorp Genetics (formerly Invitae), Labcorp and Women's Health and Genetics/Laboratory Corporation of America, LabCorp).